The following is an entry in ClinVar:

NM_001379081.2(FREM1):c.3298A>T (p.Asn1100Tyr)

Gene: FREM1 (FRAS1 related extracellular matrix 1; minus strand). Cytogenetic location: 9p22.3.
Variant type: single nucleotide variant.
Coding change: c.3298A>T on transcript NM_001379081.2 (MANE Select); coding-DNA position 3298, A replaced by T.
Protein change: p.Asn1100Tyr; replaces asparagine 1100 with tyrosine.
Molecular consequence: missense variant. On other transcripts: non-coding transcript variant (2).
Genome position (GRCh38, 1-based): chr9:14,805,129, T>A on the plus strand (A>T on the coding strand, the complement: FREM1 is on the minus strand). VCF-style: chr9-14805129-T-A. GRCh37 (hg19) VCF-style: chr9-14805127-T-A.
Other names: c.3298A>T, p.Asn1100Tyr (NM_144966.7); short protein forms N1100Y.
Identifiers: ClinVar variation 2077795 (VCV002077795.5), dbSNP rs771273809, ClinGen allele CA4990605.

ClinVar aggregate classification (germline): Uncertain significance. Review status: criteria provided, multiple submitters, no conflicts (2 of 4 stars). 2 submissions from 2 submitters: Uncertain significance (2). Last evaluated 2025-06-12.

Conditions:
Inborn genetic diseases. Identifiers: MedGen C0950123, MeSH D030342.

Allele frequency attached by ClinVar (database versions not stated): gnomAD exomes below 0.00001; ExAC 0.00002.
gnomAD v4.1: 5 of 1,577,826 alleles (0.00032%); highest among the groups gnomAD compares: African/African-American, 0.0027%; no homozygotes.

Submissions (2):

Labcorp Genetics (formerly Invitae), Labcorp
Classification: Uncertain significance. Last evaluated: 2025-06-12. Review status: criteria provided, single submitter. Criteria: Invitae Variant Classification Sherloc (09022015). Collection method: clinical testing. Allele origin: germline.
Comment: This sequence change replaces asparagine, which is neutral and polar, with tyrosine, which is neutral and polar, at codon 1100 of the FREM1 protein (p.Asn1100Tyr). This variant is present in population databases (rs771273809, gnomAD 0.007%). This variant has not been reported in the literature in individuals affected with FREM1-related conditions. ClinVar contains an entry for this variant (Variation ID: 2077795). Invitae Evidence Modeling of protein sequence and biophysical properties (such as structural, functional, and spatial information, amino acid conservation, physicochemical variation, residue mobility, and thermodynamic stability) indicates that this missense variant is not expected to disrupt FREM1 protein function with a negative predictive value of 80%. In summary, the available evidence is currently insufficient to determine the role of this variant in disease. Therefore, it has been classified as a Variant of Uncertain Significance.

Ambry Genetics
Classification: Uncertain significance for Inborn genetic diseases. Last evaluated: 2021-08-12. Review status: criteria provided, single submitter. Criteria: Ambry Variant Classification Scheme 2023. Collection method: clinical testing. Allele origin: germline.